The following is an entry in ClinVar:

NM_001378454.1(ALMS1):c.3143G>T (p.Ser1048Ile)

Gene: ALMS1 (ALMS1 centrosome and basal body associated protein; plus strand). Cytogenetic location: 2p13.1.
Variant type: single nucleotide variant.
Coding change: c.3143G>T on transcript NM_001378454.1 (MANE Select); coding-DNA position 3143, G replaced by T.
Protein change: p.Ser1048Ile; replaces serine 1048 with isoleucine.
Molecular consequence: missense variant.
Genome position (GRCh38, 1-based): chr2:73,449,670, G>T. VCF-style: chr2-73449670-G-T. GRCh37 (hg19) VCF-style: chr2-73676797-G-T.
Other names: c.3146G>T, p.Ser1049Ile (NM_015120.4); short protein forms S1049I, S1048I.
Identifiers: ClinVar variation 2041328 (VCV002041328.1), dbSNP rs543597396, ClinGen allele CA1713469.

ClinVar aggregate classification (germline): Uncertain significance (1 of 4 stars; one submission).

Conditions:
Alstrom syndrome (ALMS). Identifiers: Orphanet 64, MedGen C0268425, MONDO:0008763, OMIM 203800.

Allele frequency attached by ClinVar (database versions not stated): 1000 Genomes Project 30x 0.00047; 1000 Genomes Project 0.00060.
gnomAD v4.1: 47 of 1,613,924 alleles (0.0029%); highest among the groups gnomAD compares: South Asian, 0.046%; 2 homozygotes.

Submission:

Labcorp Genetics (formerly Invitae), Labcorp
Classification: Uncertain significance for Alstrom syndrome. Last evaluated: 2022-03-04. Review status: criteria provided, single submitter. Criteria: Invitae Variant Classification Sherloc (09022015). Collection method: clinical testing. Allele origin: germline.
Comment: This sequence change replaces serine, which is neutral and polar, with isoleucine, which is neutral and non-polar, at codon 1049 of the ALMS1 protein (p.Ser1049Ile). This variant is present in population databases (rs543597396, gnomAD 0.05%), including at least one homozygous and/or hemizygous individual. This variant has not been reported in the literature in individuals affected with ALMS1-related conditions. Experimental studies and prediction algorithms are not available or were not evaluated, and the functional significance of this variant is currently unknown. In summary, the available evidence is currently insufficient to determine the role of this variant in disease. Therefore, it has been classified as a Variant of Uncertain Significance.